The following is an entry in ClinVar:

ClinVar aggregate classification (germline): Uncertain significance. Review status: criteria provided, multiple submitters, no conflicts (2 of 4 stars). 3 submissions from 3 submitters: Uncertain significance (3). Last evaluated 2025-05-21.

Conditions:
TGM6-related disorder. Also called: TGM6-related condition.

Submissions (3):

Women's Health and Genetics/Laboratory Corporation of America, LabCorp
Classification: Uncertain significance. Last evaluated: 2025-05-21. Review status: criteria provided, single submitter. Criteria: LabCorp Variant Classification Summary - May 2015. Collection method: clinical testing. Allele origin: germline.
Comment: Variant summary: TGM6 c.51_56delinsTGGGTACT (p.Ala18GlyfsX28) results in a premature termination codon, predicted to cause a truncation of the encoded protein or absence of the protein due to nonsense mediated decay, however current evidence is not sufficient to establish loss of function as a mechanism for disease. The variant was absent in 280614 control chromosomes (gnomAD). The available data on variant occurrences in the general population are insufficient to allow any conclusion about variant significance. To our knowledge, no occurrence of c.51_56delinsTGGGTACT in individuals affected with Spinocerebellar Ataxia 35 and no experimental evidence demonstrating its impact on protein function have been reported. ClinVar contains an entry for this variant (Variation ID: 1256396). Based on the evidence outlined above, the variant was classified as uncertain significance.

PreventionGenetics, part of Exact Sciences
Classification: Uncertain significance for TGM6-related condition. Last evaluated: 2025-02-12. Review status: criteria provided, single submitter. Criteria: ACMG Guidelines, 2015. Collection method: clinical testing. Allele origin: germline.
Comment: The TGM6 c.51_56delinsTGGGTACT variant is predicted to result in a frameshift and premature protein termination (p.Ala18Glyfs*28). To our knowledge, this variant has not been reported in the literature or in a large population database (gnomAD), indicating this variant is rare. Loss of function has not been established as a mechanism of TGM6-related disease. At this time, the clinical significance of this variant is uncertain due to the absence of conclusive functional and genetic evidence.

Athena Diagnostics
Classification: Uncertain significance. Last evaluated: 2020-11-03. Review status: criteria provided, single submitter. Criteria: Athena Diagnostics criteria. Collection method: clinical testing. Allele origin: unknown.

NM_198994.3(TGM6):c.51_56delinsTGGGTACT (p.Ala18fs)

Gene: TGM6 (transglutaminase 6; plus strand). Cytogenetic location: 20p13.
Variant type: Indel.
Coding change: c.51_56delinsTGGGTACT on transcript NM_198994.3 (MANE Select); coding-DNA positions 51 to 56, CGCTGC replaced by TGGGTACT.
Protein change: p.Ala18fs; shifts the reading frame from alanine 18.
Molecular consequence: frameshift variant.
Genome position (GRCh38, 1-based): chr20:2,394,495-2,394,500, CGCTGC replaced by TGGGTACT. VCF-style: chr20-2394495-CGCTGC-TGGGTACT. GRCh37 (hg19) VCF-style: chr20-2375141-CGCTGC-TGGGTACT.
Other names: c.51_56delinsTGGGTACT, p.Ala18fs (NM_001254734.2); short protein forms A18fs.
Identifiers: ClinVar variation 1256396 (VCV001256396.4), dbSNP rs2122345234, ClinGen allele CA2499225689.